The following is an entry in ClinVar:

ClinVar aggregate classification (germline): Likely benign. Review status: criteria provided, multiple submitters, no conflicts (2 of 4 stars). 4 submissions from 4 submitters: Likely benign (4). Last evaluated 2025-07-16.

Conditions:
Cardiovascular phenotype. Identifiers: MedGen CN230736.
Familial hypobetalipoproteinemia 1. Also called: Hypobetalipoproteinemia, normotriglyceridemic; Acanthocytosis with hypobetalipoproteinemia; APOB-Related Familial Hypobetalipoproteinemia. Identifiers: MedGen C4551990, MONDO:0014252, OMIM 615558.
Hypercholesterolemia, autosomal dominant, type B (FHCL2). Also called: Familial Hypercholesterolemia Type B; APOLIPOPROTEIN B-100, FAMILIAL DEFECTIVE; APOLIPOPROTEIN B-100, FAMILIAL LIGAND-DEFECTIVE; HYPERCHOLESTEROLEMIA, FAMILIAL, DUE TO LIGAND-DEFECTIVE APOLIPOPROTEIN B; Familial hypercholesterolemia 2; APOB-Related Familial Hypercholesterolemia, Autosomal Dominant. Identifiers: MedGen C1704417, MONDO:0007751, OMIM 144010.

Allele frequency attached by ClinVar (database versions not stated): ExAC 0.00002; TOPMed 0.00002; gnomAD 0.00005 and 0.00006.
gnomAD v4.1: 40 of 1,614,056 alleles (0.0025%); highest among the groups gnomAD compares: Non-Finnish European, 0.0034%; no homozygotes.

Submissions (4):

Labcorp Genetics (formerly Invitae), Labcorp
Classification: Likely benign for Familial hypobetalipoproteinemia 1; Hypercholesterolemia, autosomal dominant, type B. Last evaluated: 2025-07-16. Review status: criteria provided, single submitter. Criteria: Invitae Variant Classification Sherloc (09022015). Collection method: clinical testing. Allele origin: germline.

Laboratory of Genetics, Children's Clinical University Hospital Latvia
Classification: Likely benign. Last evaluated: 2025-02-16. Review status: criteria provided, single submitter. Criteria: ACMG Guidelines, 2015. Collection method: clinical testing. Allele origin: germline. Affected: yes.

Ambry Genetics
Classification: Likely benign for Cardiovascular phenotype. Last evaluated: 2019-05-22. Review status: criteria provided, single submitter. Criteria: Ambry Variant Classification Scheme 2023. Collection method: clinical testing. Allele origin: germline.

GeneDx
Classification: Likely benign. Last evaluated: 2018-04-12. Review status: criteria provided, single submitter. Criteria: GeneDx Variant Classification (06012015). Collection method: clinical testing. Allele origin: germline. Affected: yes.
Comment: This variant is considered likely benign or benign based on one or more of the following criteria: it is a conservative change, it occurs at a poorly conserved position in the protein, it is predicted to be benign by multiple in silico algorithms, and/or has population frequency not consistent with disease.

NM_000384.3(APOB):c.5652C>T (p.Asn1884=)

Gene: APOB (apolipoprotein B; minus strand). Cytogenetic location: 2p24.1.
Variant type: single nucleotide variant.
Coding change: c.5652C>T on transcript NM_000384.3 (MANE Select); coding-DNA position 5652, C replaced by T.
Protein change: p.Asn1884=; no amino-acid change (asparagine 1884 retained).
Molecular consequence: synonymous variant.
Genome position (GRCh38, 1-based): chr2:21,011,216, G>A on the plus strand (C>T on the coding strand, the complement: APOB is on the minus strand). VCF-style: chr2-21011216-G-A. GRCh37 (hg19) VCF-style: chr2-21234088-G-A.
Identifiers: ClinVar variation 681767 (VCV000681767.18), dbSNP rs766106302, ClinGen allele CA062310.